The following is an entry in ClinVar:

ClinVar aggregate classification (germline): Uncertain significance. Review status: criteria provided, multiple submitters, no conflicts (2 of 4 stars). 2 submissions from 2 submitters: Uncertain significance (2). Last evaluated 2025-06-18.

Conditions:
Inborn genetic diseases. Identifiers: MedGen C0950123, MeSH D030342.

Submissions (2):

Ambry Genetics
Classification: Uncertain significance for Inborn genetic diseases. Last evaluated: 2025-06-18. Review status: criteria provided, single submitter. Criteria: Ambry Variant Classification Scheme 2023. Collection method: clinical testing. Allele origin: germline.

GeneDx
Classification: Uncertain significance. Last evaluated: 2024-06-14. Review status: criteria provided, single submitter. Criteria: GeneDx Variant Classification Process June 2021. Collection method: clinical testing. Allele origin: germline. Affected: yes.
Comment: Not observed at significant frequency in large population cohorts (gnomAD); In silico analysis indicates that this missense variant does not alter protein structure/function; Has not been previously published as pathogenic or benign to our knowledge

NM_004621.6(TRPC6):c.83G>T (p.Ser28Ile)

Gene: TRPC6 (transient receptor potential cation channel subfamily C member 6; minus strand). Cytogenetic location: 11q22.1.
Variant type: single nucleotide variant.
Coding change: c.83G>T on transcript NM_004621.6 (MANE Select); coding-DNA position 83, G replaced by T.
Protein change: p.Ser28Ile; replaces serine 28 with isoleucine.
Molecular consequence: missense variant.
Genome position (GRCh38, 1-based): chr11:101,583,421, C>A on the plus strand (G>T on the coding strand, the complement: TRPC6 is on the minus strand). VCF-style: chr11-101583421-C-A. GRCh37 (hg19) VCF-style: chr11-101454152-C-A.
Other names: short protein forms S28I.
Identifiers: ClinVar variation 3390546 (VCV003390546.2).